The following is an entry in ClinVar:

ClinVar aggregate classification (germline): Uncertain significance. Review status: criteria provided, multiple submitters, no conflicts (2 of 4 stars). 2 submissions from 2 submitters: Uncertain significance (2). Last evaluated 2025-08-09.

Conditions:
Inborn genetic diseases. Identifiers: MedGen C0950123, MeSH D030342.
Nephronophthisis 15 (NPHP15). Identifiers: Orphanet 3156, MedGen C3541853, MONDO:0013917, OMIM 614845.

Allele frequency attached by ClinVar (database versions not stated): ExAC 0.00001; gnomAD 0.00002; TOPMed 0.00003.
gnomAD v4.1: 16 of 1,614,070 alleles (0.00099%); highest among the groups gnomAD compares: Admixed American, 0.005%; no homozygotes.

Submissions (2):

Ambry Genetics
Classification: Uncertain significance for Inborn genetic diseases. Last evaluated: 2025-08-09. Review status: criteria provided, single submitter. Criteria: Ambry Variant Classification Scheme 2023. Collection method: clinical testing. Allele origin: germline.

Labcorp Genetics (formerly Invitae), Labcorp
Classification: Uncertain significance for Nephronophthisis 15. Last evaluated: 2022-08-16. Review status: criteria provided, single submitter. Criteria: Invitae Variant Classification Sherloc (09022015). Collection method: clinical testing. Allele origin: germline.
Comment: This sequence change replaces alanine, which is neutral and non-polar, with valine, which is neutral and non-polar, at codon 1145 of the CEP164 protein (p.Ala1145Val). This variant is present in population databases (rs770370539, gnomAD 0.002%). This variant has not been reported in the literature in individuals affected with CEP164-related conditions. ClinVar contains an entry for this variant (Variation ID: 861374). Algorithms developed to predict the effect of missense changes on protein structure and function output the following: SIFT: "Deleterious"; PolyPhen-2: "Benign"; Align-GVGD: "Class C0". The valine amino acid residue is found in multiple mammalian species, which suggests that this missense change does not adversely affect protein function. In summary, the available evidence is currently insufficient to determine the role of this variant in disease. Therefore, it has been classified as a Variant of Uncertain Significance.

NM_014956.5(CEP164):c.3434C>T (p.Ala1145Val)

Gene: CEP164 (centrosomal protein 164; plus strand). Cytogenetic location: 11q23.3.
Variant type: single nucleotide variant.
Coding change: c.3434C>T on transcript NM_014956.5 (MANE Select); coding-DNA position 3434, C replaced by T.
Protein change: p.Ala1145Val; replaces alanine 1145 with valine.
Molecular consequence: missense variant.
Genome position (GRCh38, 1-based): chr11:117,397,246, C>T. VCF-style: chr11-117397246-C-T. GRCh37 (hg19) VCF-style: chr11-117267962-C-T.
Other names: c.3443C>T, p.Ala1148Val (NM_001271933.2); short protein forms A1145V, A1148V.
Identifiers: ClinVar variation 861374 (VCV000861374.8), dbSNP rs770370539, ClinGen allele CA6295451.
Genomic context (GRCh38, chr11:117,397,246, plus strand): 5'-GGAGGCGGCAGACAGCTCTGAAAGCTGCCCAGCAGCATTGGCGCCATGAGCTGGCCAGTG[C>T]GCAGGAGGTGGCCAAAGACCCACCAGGCATCAAGGCCCTGGAAGATATGCGCAAGAACCT-3'
Protein context (NP_055771.4, residues 1135-1155): QQHWRHELAS[Ala1145Val]QEVAKDPPGI